The following is an entry in ClinVar:

NM_004329.3(BMPR1A):c.413T>G (p.Leu138Arg)

Gene: BMPR1A (bone morphogenetic protein receptor type 1A; plus strand). Cytogenetic location: 10q23.2.
Variant type: single nucleotide variant.
Coding change: c.413T>G on transcript NM_004329.3 (MANE Select); coding-DNA position 413, T replaced by G.
Protein change: p.Leu138Arg; replaces leucine 138 with arginine.
Molecular consequence: missense variant.
Genome position (GRCh38, 1-based): chr10:86,899,873, T>G. VCF-style: chr10-86899873-T-G. GRCh37 (hg19) VCF-style: chr10-88659630-T-G.
Other names: p.Leu138Arg; c.329T>G, p.Leu110Arg (NM_001406587.1, NM_001406588.1, NM_001406584.1 and 2 more transcripts); c.413T>G, p.Leu138Arg (NM_001406559.1, NM_001406560.1, NM_001406561.1 and 22 more transcripts); short protein forms L110R, L138R.
Identifiers: ClinVar variation 2082974 (VCV002082974.5), dbSNP rs767385418, ClinGen allele CA5585501.

ClinVar aggregate classification (germline): Uncertain significance. Review status: criteria provided, multiple submitters, no conflicts (2 of 4 stars). 2 submissions from 2 submitters: Uncertain significance (2). Last evaluated 2025-10-15.

Conditions:
Juvenile polyposis syndrome (JPS). Identifiers: Orphanet 2929, MedGen C0345893, MONDO:0017380, OMIM 174900.

Allele frequency attached by ClinVar (database versions not stated): ExAC 0.00001.
gnomAD v4.1: 2 of 1,614,184 alleles (0.00012%); highest among the groups gnomAD compares: Non-Finnish European, 0.00017%; no homozygotes.

Submissions (2):

Mayo Clinic Laboratories, Mayo Clinic
Classification: Uncertain significance. Last evaluated: 2025-10-15. Review status: criteria provided, single submitter. Criteria: ACMG Guidelines, 2015. Collection method: clinical testing. Allele origin: germline. Observed: 1 variant allele.
Comment: PP3_moderate, PM2_supporting

Labcorp Genetics (formerly Invitae), Labcorp
Classification: Uncertain significance for Juvenile polyposis syndrome. Last evaluated: 2022-01-15. Review status: criteria provided, single submitter. Criteria: Invitae Variant Classification Sherloc (09022015). Collection method: clinical testing. Allele origin: germline.
Comment: This variant is present in population databases (rs767385418, gnomAD 0.0009%). This sequence change replaces leucine, which is neutral and non-polar, with arginine, which is basic and polar, at codon 138 of the BMPR1A protein (p.Leu138Arg). This variant has not been reported in the literature in individuals affected with BMPR1A-related conditions. Advanced modeling of protein sequence and biophysical properties (such as structural, functional, and spatial information, amino acid conservation, physicochemical variation, residue mobility, and thermodynamic stability) performed at Invitae indicates that this missense variant is expected to disrupt BMPR1A protein function. In summary, the available evidence is currently insufficient to determine the role of this variant in disease. Therefore, it has been classified as a Variant of Uncertain Significance.